The following is an entry in ClinVar:

NM_006231.4(POLE):c.1076T>G (p.Met359Arg)

Gene: POLE (DNA polymerase epsilon, catalytic subunit; minus strand). Cytogenetic location: 12q24.33.
Variant type: single nucleotide variant.
Coding change: c.1076T>G on transcript NM_006231.4 (MANE Select); coding-DNA position 1076, T replaced by G.
Protein change: p.Met359Arg; replaces methionine 359 with arginine.
Molecular consequence: missense variant.
Genome position (GRCh38, 1-based): chr12:132,675,765, A>C on the plus strand (T>G on the coding strand, the complement: POLE is on the minus strand). VCF-style: chr12-132675765-A-C. GRCh37 (hg19) VCF-style: chr12-133252351-A-C.
Other names: short protein forms M359R.
Identifiers: ClinVar variation 1784987 (VCV001784987.5), dbSNP rs2136011303, ClinGen allele CA387361468.
Genomic context (GRCh38, chr12:132,675,765, plus strand): 5'-CAGTTACTCATAGAGAAGACACAGACTCACCAGTCAAAAAAGTCCCCGTTGTAGGTGACC[A>C]TGATGGTGGGTTTGGTCTCCTGGACGTGTTCAAACCACCTTTGGATCAGATGAGCCTGAA-3'
Protein context (NP_006222.2, residues 349-369): EHVQETKPTI[Met359Arg]VTYNGDFFDW

ClinVar aggregate classification (germline): Uncertain significance. Review status: criteria provided, multiple submitters, no conflicts (2 of 4 stars). 2 submissions from 2 submitters: Uncertain significance (2). Last evaluated 2023-05-21.

Conditions:
Hereditary cancer-predisposing syndrome. Also called: Neoplastic Syndromes, Hereditary; Tumor predisposition; Hereditary Cancer Syndrome; Hereditary neoplastic syndrome. Identifiers: Orphanet 140162, MedGen C0027672, MeSH D009386, MONDO:0015356.

Submissions (2):

Labcorp Genetics (formerly Invitae), Labcorp
Classification: Uncertain significance. Last evaluated: 2023-05-21. Review status: criteria provided, single submitter. Criteria: Invitae Variant Classification Sherloc (09022015). Collection method: clinical testing. Allele origin: germline.
Comment: This variant is not present in population databases (gnomAD no frequency). In summary, the available evidence is currently insufficient to determine the role of this variant in disease. Therefore, it has been classified as a Variant of Uncertain Significance. Advanced modeling of protein sequence and biophysical properties (such as structural, functional, and spatial information, amino acid conservation, physicochemical variation, residue mobility, and thermodynamic stability) performed at Invitae indicates that this missense variant is not expected to disrupt POLE protein function. ClinVar contains an entry for this variant (Variation ID: 1784987). This variant has not been reported in the literature in individuals affected with POLE-related conditions. This sequence change replaces methionine, which is neutral and non-polar, with arginine, which is basic and polar, at codon 359 of the POLE protein (p.Met359Arg).

Ambry Genetics
Classification: Uncertain significance for Hereditary cancer-predisposing syndrome. Last evaluated: 2022-09-01. Review status: criteria provided, single submitter. Criteria: Ambry Variant Classification Scheme 2023. Collection method: clinical testing. Allele origin: germline.
Comment: The p.M359R variant (also known as c.1076T>G), located in coding exon 11 of the POLE gene, results from a T to G substitution at nucleotide position 1076. The methionine at codon 359 is replaced by arginine, an amino acid with similar properties. This amino acid position is conserved. In addition, this alteration is predicted to be tolerated by in silico analysis. Since supporting evidence is limited at this time, the clinical significance of this alteration remains unclear.